The following is an entry in ClinVar:

ClinVar aggregate classification (germline): Uncertain significance (1 of 4 stars; one submission).

gnomAD v4.1: 2 of 1,613,786 alleles (0.00012%); highest among the groups gnomAD compares: African/African-American, 0.0013%; no homozygotes.

Submission:

Dasa
Classification: Uncertain significance. Last evaluated: 2024-07-15. Review status: criteria provided, single submitter. Criteria: DASA Assertion Criteria. Collection method: clinical testing. Allele origin: germline.
Comment: NM_001127222.2(CACNA1A):c.6223T>C (p.Tyr2075His) is a missense variant that results in the substitution of tyrosine with histidine. This variant is rare in population databases. Computational prediction algorithms are consistent with a benign effect. The currently available literature and clinical evidence are not sufficient to establish a definitive association between this variant and the reported condition. Therefore, this variant is classified as a variant of uncertain significance.

NM_001127222.2(CACNA1A):c.6223T>C (p.Tyr2075His)

Gene: CACNA1A (calcium voltage-gated channel subunit alpha1 A; minus strand). Cytogenetic location: 19p13.13.
Variant type: single nucleotide variant.
Coding change: c.6223T>C on transcript NM_001127222.2 (MANE Select); coding-DNA position 6223, T replaced by C.
Protein change: p.Tyr2075His; replaces tyrosine 2075 with histidine.
Molecular consequence: missense variant.
Genome position (GRCh38, 1-based): chr19:13,212,183, A>G on the plus strand (T>C on the coding strand, the complement: CACNA1A is on the minus strand). VCF-style: chr19-13212183-A-G. GRCh37 (hg19) VCF-style: chr19-13322997-A-G.
Other names: c.6241T>C, p.Tyr2081His (NM_000068.4, NM_023035.3); c.6226T>C, p.Tyr2076His (NM_001127221.2); c.6232T>C, p.Tyr2078His (NM_001174080.2); short protein forms Y2075H, Y2076H, Y2078H, Y2081H.
Identifiers: ClinVar variation 4883579 (VCV004883579.2).